The following is an entry in ClinVar:

NM_001384474.1(LOXHD1):c.5767C>T (p.Gln1923Ter)

Gene: LOXHD1 (lipoxygenase homology PLAT domains 1; minus strand). Cytogenetic location: 18q21.1.
Variant type: single nucleotide variant.
Coding change: c.5767C>T on transcript NM_001384474.1 (MANE Select); coding-DNA position 5767, C replaced by T.
Protein change: p.Gln1923Ter; replaces glutamine 1923 with a stop codon.
Molecular consequence: nonsense.
Genome position (GRCh38, 1-based): chr18:46,505,949, G>A on the plus strand (C>T on the coding strand, the complement: LOXHD1 is on the minus strand). VCF-style: chr18-46505949-G-A. GRCh37 (hg19) VCF-style: chr18-44085912-G-A.
Other names: c.2434C>T, p.Gln812Ter (NM_001145472.3); c.484C>T, p.Gln162Ter (NM_001145473.3, NM_001173129.2); c.2146C>T, p.Gln716Ter (NM_001308013.2); c.5581C>T, p.Gln1861Ter (NM_144612.7); short protein forms Q162*, Q1923*, Q1861*, Q716*, Q812*.
Identifiers: ClinVar variation 1377068 (VCV001377068.6), dbSNP rs377368588, ClinGen allele CA8952138.
Genomic context (GRCh38, chr18:46,505,949, plus strand): 5'-TGTCAGGGAAGTTGAATGTGTCCGTGTTGTTCCGCTCAAACTTGTTCCAGTTTGCCGACT[G>A]CTTCAGGGCCAGTGTCCCACTATCCCCGTTCTCCCCGAAGATGATGATGAACACGTTGGC-3'

ClinVar aggregate classification (germline): Pathogenic (1 of 4 stars; one submission).

Submission:

Labcorp Genetics (formerly Invitae), Labcorp
Classification: Pathogenic. Last evaluated: 2023-07-25. Review status: criteria provided, single submitter. Criteria: Invitae Variant Classification Sherloc (09022015). Collection method: clinical testing. Allele origin: germline.
Comment: For these reasons, this variant has been classified as Pathogenic. ClinVar contains an entry for this variant (Variation ID: 1377068). This variant has not been reported in the literature in individuals affected with LOXHD1-related conditions. This variant is present in population databases (rs377368588, gnomAD 0.002%). This sequence change creates a premature translational stop signal (p.Gln1861*) in the LOXHD1 gene. It is expected to result in an absent or disrupted protein product. Loss-of-function variants in LOXHD1 are known to be pathogenic (PMID: 19732867, 21465660, 25792669).

Literature cited by the submitters: PubMed 19732867; PubMed 21465660; PubMed 25792669.